The following is an entry in ClinVar:

NM_014679.5(CEP57):c.601A>G (p.Thr201Ala)

Gene: CEP57 (centrosomal protein 57; plus strand). Cytogenetic location: 11q21.
Variant type: single nucleotide variant.
Coding change: c.601A>G on transcript NM_014679.5 (MANE Select); coding-DNA position 601, A replaced by G.
Protein change: p.Thr201Ala; replaces threonine 201 with alanine.
Molecular consequence: missense variant.
Genome position (GRCh38, 1-based): chr11:95,817,883, A>G. VCF-style: chr11-95817883-A-G. GRCh37 (hg19) VCF-style: chr11-95551047-A-G.
Other names: c.601A>G (NM_014679.4); c.574A>G, p.Thr192Ala (NM_001243776.2); c.601A>G, p.Thr201Ala (NM_001243777.2); c.520A>G, p.Thr174Ala (NM_001363604.2); short protein forms T174A, T192A, T201A.
Identifiers: ClinVar variation 1059149 (VCV001059149.10), dbSNP rs2135338342, ClinGen allele CA382423101.

ClinVar aggregate classification (germline): Uncertain significance. Review status: criteria provided, multiple submitters, no conflicts (2 of 4 stars). 2 submissions from 2 submitters: Uncertain significance (2). Last evaluated 2025-11-09.

Conditions:
Inborn genetic diseases. Identifiers: MedGen C0950123, MeSH D030342.
Mosaic variegated aneuploidy syndrome 2 (MVA2). Identifiers: Orphanet 1052, MedGen C3279843, MONDO:0013582, OMIM 614114.

Allele frequency attached by ClinVar (database versions not stated): gnomAD exomes below 0.00001.
gnomAD v4.1: 1 of 1,611,958 alleles (0.000062%); highest among the groups gnomAD compares: Non-Finnish European, 0.000085%; no homozygotes.

Submissions (2):

Labcorp Genetics (formerly Invitae), Labcorp
Classification: Uncertain significance for Mosaic variegated aneuploidy syndrome 2. Last evaluated: 2025-11-09. Review status: criteria provided, single submitter. Criteria: Invitae Variant Classification Sherloc (09022015). Collection method: clinical testing. Allele origin: germline.
Comment: This sequence change replaces threonine, which is neutral and polar, with alanine, which is neutral and non-polar, at codon 201 of the CEP57 protein (p.Thr201Ala). This variant is not present in population databases (gnomAD no frequency). This variant has not been reported in the literature in individuals affected with CEP57-related conditions. ClinVar contains an entry for this variant (Variation ID: 1059149). Invitae Evidence Modeling of protein sequence and biophysical properties (such as structural, functional, and spatial information, amino acid conservation, physicochemical variation, residue mobility, and thermodynamic stability) indicates that this missense variant is not expected to disrupt CEP57 protein function with a negative predictive value of 80%. In summary, the available evidence is currently insufficient to determine the role of this variant in disease. Therefore, it has been classified as a Variant of Uncertain Significance.

Ambry Genetics
Classification: Uncertain significance for Inborn genetic diseases. Last evaluated: 2025-05-31. Review status: criteria provided, single submitter. Criteria: Ambry Variant Classification Scheme 2023. Collection method: clinical testing. Allele origin: germline.
Comment: The p.T201A variant (also known as c.601A>G), located in coding exon 5 of the CEP57 gene, results from an A to G substitution at nucleotide position 601. The threonine at codon 201 is replaced by alanine, an amino acid with similar properties. This amino acid position is conserved. In addition, this alteration is predicted to be tolerated by in silico analysis. Based on the available evidence, the clinical significance of this variant remains unclear.